The following is an entry in ClinVar:

NM_000350.3(ABCA4):c.2263T>G (p.Phe755Val)

Gene: ABCA4 (ATP binding cassette subfamily A member 4; minus strand). Cytogenetic location: 1p22.1.
Variant type: single nucleotide variant.
Coding change: c.2263T>G on transcript NM_000350.3 (MANE Select); coding-DNA position 2263, T replaced by G.
Protein change: p.Phe755Val; replaces phenylalanine 755 with valine.
Molecular consequence: missense variant.
Genome position (GRCh38, 1-based): chr1:94,056,720, A>C on the plus strand (T>G on the coding strand, the complement: ABCA4 is on the minus strand). VCF-style: chr1-94056720-A-C. GRCh37 (hg19) VCF-style: chr1-94522276-A-C.
Other names: short protein forms F755V.
Identifiers: ClinVar variation 1014913 (VCV001014913.8), dbSNP rs1660993598, ClinGen allele CA341277898.
Genomic context (GRCh38, chr1:94,056,720, plus strand): 5'-GCAGGTAGAGGGTGAAATAGATGACACCACTACAGGCTGCTGCCAGACTGGCCTTGGAGA[A>C]GAAGGTGCTGAGCAGAAAGCACAGCATGATGGTGGCAGTGGAGAAAGCCAACAAGAACAG-3'
Protein context (NP_000341.2, residues 745-765): IMLCFLLSTF[Phe755Val]SKASLAAACS

ClinVar aggregate classification (germline): Likely pathogenic (1 of 4 stars; one submission).

Submission:

Labcorp Genetics (formerly Invitae), Labcorp
Classification: Likely pathogenic. Last evaluated: 2025-10-22. Review status: criteria provided, single submitter. Criteria: Invitae Variant Classification Sherloc (09022015). Collection method: clinical testing. Allele origin: germline.
Comment: This sequence change replaces phenylalanine, which is neutral and non-polar, with valine, which is neutral and non-polar, at codon 755 of the ABCA4 protein (p.Phe755Val). This variant is not present in population databases (gnomAD no frequency). This missense change has been observed in individual(s) with clinical features of Stargardt disease (internal data). ClinVar contains an entry for this variant (Variation ID: 1014913). Invitae Evidence Modeling of protein sequence and biophysical properties (such as structural, functional, and spatial information, amino acid conservation, physicochemical variation, residue mobility, and thermodynamic stability) indicates that this missense variant is expected to disrupt ABCA4 protein function with a positive predictive value of 95%. This variant disrupts the p.Phe755 amino acid residue in ABCA4. Other variant(s) that disrupt this residue have been determined to be pathogenic (PMID: 28559085). This suggests that this residue is clinically significant, and that variants that disrupt this residue are likely to be disease-causing. In summary, the currently available evidence indicates that the variant is pathogenic, but additional data are needed to prove that conclusively. Therefore, this variant has been classified as Likely Pathogenic.

Literature cited by the submitters: PubMed 28559085.